The following is an entry in ClinVar:

ClinVar aggregate classification (germline): Uncertain significance (1 of 4 stars; one submission).

Conditions:
PRKG1-related disorder. Also called: PRKG1-related condition.

Submission:

PreventionGenetics, part of Exact Sciences
Classification: Uncertain significance for PRKG1-related condition. Last evaluated: 2026-05-24. Review status: criteria provided, single submitter. Criteria: ACMG Guidelines, 2015. Collection method: clinical testing. Allele origin: germline.
Comment: The PRKG1 c.385G>C variant is predicted to result in the amino acid substitution p.Glu129Gln. To our knowledge, this variant has not been reported in the literature or in a large population database (gnomAD), indicating this variant is rare. At this time, the clinical significance of this variant is uncertain due to the absence of conclusive functional and genetic evidence.

NM_006258.4(PRKG1):c.385G>C (p.Glu129Gln)

Gene: PRKG1 (protein kinase cGMP-dependent 1; plus strand). Cytogenetic location: 10q21.1.
Variant type: single nucleotide variant.
Coding change: c.385G>C on transcript NM_006258.4 (MANE Select); coding-DNA position 385, G replaced by C.
Protein change: p.Glu129Gln; replaces glutamic acid 129 with glutamine.
Molecular consequence: missense variant.
Genome position (GRCh38, 1-based): chr10:51,153,237, G>C. VCF-style: chr10-51153237-G-C. GRCh37 (hg19) VCF-style: chr10-52912997-G-C.
Other names: c.340G>C, p.Glu114Gln (NM_001098512.3); c.385G>C, p.Glu129Gln (NM_001374782.1); short protein forms E114Q, E129Q.
Identifiers: ClinVar variation 4998446 (VCV004998446.1).
Genomic context (GRCh38, chr10:51,153,237, plus strand): 5'-ATAAAGGAAGCTATCCTTGACAATGACTTTATGAAGAACTTGGAGCTGTCGCAGATCCAG[G>C]AGATTGTGGATTGTATGTACCCGGTGGAGTATGGCAAGGACAGTTGCATCATCAAAGAAG-3'
Protein context (NP_006249.1, residues 119-139): MKNLELSQIQ[Glu129Gln]IVDCMYPVEY